The following is an entry in ClinVar:

ClinVar aggregate classification (germline): Uncertain significance (1 of 4 stars; one submission).

Allele frequency attached by ClinVar (database versions not stated): gnomAD 0.00001.
gnomAD v4.1: 1 of 1,614,094 alleles (0.000062%); highest among the groups gnomAD compares: Admixed American, 0.0017%; no homozygotes.

Submission:

Labcorp Genetics (formerly Invitae), Labcorp
Classification: Uncertain significance. Last evaluated: 2022-08-12. Review status: criteria provided, single submitter. Criteria: Invitae Variant Classification Sherloc (09022015). Collection method: clinical testing. Allele origin: germline.
Comment: This sequence change replaces glutamic acid, which is acidic and polar, with glycine, which is neutral and non-polar, at codon 1872 of the LAMA1 protein (p.Glu1872Gly). This variant is not present in population databases (gnomAD no frequency). This variant has not been reported in the literature in individuals affected with LAMA1-related conditions. Algorithms developed to predict the effect of missense changes on protein structure and function are either unavailable or do not agree on the potential impact of this missense change (SIFT: "Tolerated"; PolyPhen-2: "Probably Damaging"; Align-GVGD: "Class C0"). In summary, the available evidence is currently insufficient to determine the role of this variant in disease. Therefore, it has been classified as a Variant of Uncertain Significance.

NM_005559.4(LAMA1):c.5615A>G (p.Glu1872Gly)

Gene: LAMA1 (laminin subunit alpha 1; minus strand). Cytogenetic location: 18p11.31.
Variant type: single nucleotide variant.
Coding change: c.5615A>G on transcript NM_005559.4 (MANE Select); coding-DNA position 5615, A replaced by G.
Protein change: p.Glu1872Gly; replaces glutamic acid 1872 with glycine.
Molecular consequence: missense variant.
Genome position (GRCh38, 1-based): chr18:6,985,282, T>C on the plus strand (A>G on the coding strand, the complement: LAMA1 is on the minus strand). VCF-style: chr18-6985282-T-C. GRCh37 (hg19) VCF-style: chr18-6985281-T-C.
Other names: short protein forms E1872G.
Identifiers: ClinVar variation 2156786 (VCV002156786.1), dbSNP rs2057729198, ClinGen allele CA401837371.